The following is an entry in ClinVar:

ClinVar aggregate classification (germline): Uncertain significance (1 of 4 stars; one submission).

Conditions:
Cystic fibrosis (CF). Also called: MUCOVISCIDOSIS. Identifiers: Orphanet 586, MedGen C0010674, MONDO:0009061, OMIM 219700. Disease mechanism: loss of function.

gnomAD v4.1: 3 of 1,595,396 alleles (0.00019%); highest among the groups gnomAD compares: Non-Finnish European, 0.00026%; no homozygotes.

Submission:

Ambry Genetics
Classification: Uncertain significance for Cystic fibrosis. Last evaluated: 2026-04-13. Review status: criteria provided, single submitter. Criteria: Ambry Variant Classification Scheme 2023. Collection method: clinical testing. Allele origin: germline.
Comment: The p.L610I variant (also known as c.1828T>A), located in coding exon 14 of the CFTR gene, results from a T to A substitution at nucleotide position 1828. The leucine at codon 610 is replaced by isoleucine, an amino acid with highly similar properties. This amino acid position is highly conserved in available vertebrate species. In addition, the in silico prediction for this alteration is inconclusive. Based on the available evidence, the clinical significance of this variant remains unclear.

NM_000492.4(CFTR):c.1828T>A (p.Leu610Ile)

Gene: CFTR (CF transmembrane conductance regulator; plus strand). Cytogenetic location: 7q31.2.
Variant type: single nucleotide variant.
Coding change: c.1828T>A on transcript NM_000492.4 (MANE Select); coding-DNA position 1828, T replaced by A.
Protein change: p.Leu610Ile; replaces leucine 610 with isoleucine.
Molecular consequence: missense variant.
Genome position (GRCh38, 1-based): chr7:117,591,995, T>A. VCF-style: chr7-117591995-T-A. GRCh37 (hg19) VCF-style: chr7-117232049-T-A.
Other names: short protein forms L610I.
Identifiers: ClinVar variation 4868810 (VCV004868810.1).